The following is an entry in ClinVar:

NM_005141.5(FGB):c.1244+7G>A

Gene: FGB (fibrinogen beta chain; plus strand). Cytogenetic location: 4q31.3.
Variant type: single nucleotide variant.
Coding change: c.1244+7G>A on transcript NM_005141.5 (MANE Select); 7 bases into the intron after coding-DNA position 1244, G replaced by A.
Molecular consequence: intron variant.
Genome position (GRCh38, 1-based): chr4:154,569,806, G>A. VCF-style: chr4-154569806-G-A. GRCh37 (hg19) VCF-style: chr4-155490958-G-A.
Other names: p.?; c.1067+7G>A (NM_001184741.1); c.1244+7G>A (NM_001382761.1, NM_001382760.1); c.1220+31G>A (NM_001382765.1); c.*18+7G>A (NM_001382764.1); c.1235+7G>A (NM_001382763.1); c.944+7G>A (NM_001382762.1); c.1112+7G>A (NM_001382759.1).
Identifiers: ClinVar variation 347776 (VCV000347776.13), dbSNP rs142937995, ClinGen allele CA3114746.

ClinVar aggregate classification (germline): Conflicting classifications of pathogenicity. Review status: criteria provided, conflicting classifications (1 of 4 stars). 6 submissions from 6 submitters: Uncertain significance (2); Likely benign (4). Last evaluated 2026-09-02.

Conditions:
FGB-related disorder. Also called: FGB-related condition.
Congenital afibrinogenemia. Identifiers: Orphanet 335, Orphanet 98880, MedGen C2584774, MONDO:0008737, OMIM 202400.

Allele frequency attached by ClinVar (database versions not stated): ESP Exome Variant Server 0.00054; 1000 Genomes Project 30x 0.00016; 1000 Genomes Project 0.00020; gnomAD 0.00038; gnomAD exomes 0.00039 and 0.00044; TOPMed 0.00045; ExAC 0.00048.
gnomAD v4.1: 635 of 1,614,116 alleles (0.039%); highest among the groups gnomAD compares: Middle Eastern, 0.18%; 1 homozygote.

Submissions (6):

PreventionGenetics, part of Exact Sciences
Classification: Likely benign for FGB-related condition. Last evaluated: 2026-09-02. Review status: criteria provided, single submitter. Criteria: ACMG Guidelines, 2015. Collection method: clinical testing. Allele origin: germline.
Comment: This variant is classified as likely benign based on ACMG/AMP sequence variant interpretation guidelines (Richards et al. 2015 PMID: 25741868, with internal and published modifications).

Women's Health and Genetics/Laboratory Corporation of America, LabCorp
Classification: Likely benign. Last evaluated: 2026-02-13. Review status: criteria provided, single submitter. Criteria: LabCorp Variant Classification Summary - May 2015. Collection method: clinical testing. Allele origin: germline.

Labcorp Genetics (formerly Invitae), Labcorp
Classification: Likely benign. Last evaluated: 2025-12-15. Review status: criteria provided, single submitter. Criteria: Invitae Variant Classification Sherloc (09022015). Collection method: clinical testing. Allele origin: germline.

Mayo Clinic Laboratories, Mayo Clinic
Classification: Likely benign. Last evaluated: 2025-01-14. Review status: criteria provided, single submitter. Criteria: ACMG Guidelines, 2015. Collection method: clinical testing. Allele origin: germline. Observed: 1 variant allele.
Comment: BP4, BP7

Illumina Laboratory Services, Illumina
Classification: Uncertain significance for Congenital afibrinogenemia. Last evaluated: 2018-01-13. Review status: criteria provided, single submitter. Criteria: ICSL Variant Classification Criteria 13 December 2019. Collection method: clinical testing. Allele origin: germline.

Breakthrough Genomics
Classification: Uncertain significance. Review status: criteria provided, single submitter. Criteria: ACMG Guidelines, 2015. Collection method: not provided. Allele origin: germline. Inheritance: Autosomal recessive inheritance. Affected: yes.